The following is an entry in ClinVar:

NM_002693.3(POLG):c.3671T>G (p.Ile1224Ser)

Genes: FANCI (FA complementation group I; plus strand), POLG (DNA polymerase gamma, catalytic subunit; minus strand). Cytogenetic location: 15q26.1.
Variant type: single nucleotide variant.
Coding change: c.3671T>G on transcript NM_002693.3 (MANE Select); coding-DNA position 3671, T replaced by G.
Protein change: p.Ile1224Ser; replaces isoleucine 1224 with serine.
Molecular consequence: missense variant. On other transcripts: 3 prime UTR variant (4).
Genome position (GRCh38, 1-based): chr15:89,316,800, A>C on the plus strand (T>G on the coding strand, the complement: POLG is on the minus strand). VCF-style: chr15-89316800-A-C. GRCh37 (hg19) VCF-style: chr15-89860031-A-C.
Other names: c.3671T>G, p.Ile1224Ser (NM_001126131.2); c.*341A>C (NM_001113378.2, NM_001376910.1, NM_001376911.1 and 1 more transcripts); short protein forms I1224S.
Identifiers: ClinVar variation 1374967 (VCV001374967.6), dbSNP rs779072487, ClinGen allele CA393746956.
Genomic context (GRCh38, chr15:89,316,800, plus strand): 5'-TCCAGGCAGTGCTATGGTCCAGGCTGGCTTCGTTTTTCCAAGGAGCCTTTGGTGAGTTCA[A>C]TTATCTGGTAAATATCCAGCGCTTCACCTGAAAGATAGTGCAAATTGGTTAGGATGCCAC-3'
Protein context (NP_002684.1, residues 1214-1234): QGEALDIYQI[Ile1224Ser]ELTKGSLEKR

ClinVar aggregate classification (germline): Uncertain significance (1 of 4 stars; one submission).

Conditions:
Progressive sclerosing poliodystrophy (MTDPS4A). Also called: Mitochondrial DNA depletion syndrome 4A (Alpers type); ALPERS PROGRESSIVE INFANTILE POLIODYSTROPHY; NEURONAL DEGENERATION OF CHILDHOOD WITH LIVER DISEASE, PROGRESSIVE; Mitochondrial DNA Depletion Syndrome 4A; Alpers-Huttenlocher Syndrome (AHS); Alpers Syndrome. Identifiers: Orphanet 726, MedGen C0205710, MONDO:0008758, OMIM 203700.

gnomAD v4.1: 2 of 1,613,952 alleles (0.00012%); highest among the groups gnomAD compares: Non-Finnish European, 0.00017%; no homozygotes.

Submission:

Labcorp Genetics (formerly Invitae), Labcorp
Classification: Uncertain significance for Progressive sclerosing poliodystrophy. Last evaluated: 2022-10-05. Review status: criteria provided, single submitter. Criteria: Invitae Variant Classification Sherloc (09022015). Collection method: clinical testing. Allele origin: germline.
Comment: In summary, the available evidence is currently insufficient to determine the role of this variant in disease. Therefore, it has been classified as a Variant of Uncertain Significance. Advanced modeling of protein sequence and biophysical properties (such as structural, functional, and spatial information, amino acid conservation, physicochemical variation, residue mobility, and thermodynamic stability) performed at Invitae indicates that this missense variant is expected to disrupt POLG protein function. ClinVar contains an entry for this variant (Variation ID: 1374967). This variant has not been reported in the literature in individuals affected with POLG-related conditions. This variant is not present in population databases (gnomAD no frequency). This sequence change replaces isoleucine, which is neutral and non-polar, with serine, which is neutral and polar, at codon 1224 of the POLG protein (p.Ile1224Ser).